The following is an entry in ClinVar:

NM_015274.3(MAN2B2):c.1755C>T (p.Asn585=)

Gene: MAN2B2 (mannosidase alpha class 2B member 2; plus strand). Cytogenetic location: 4p16.1.
Variant type: single nucleotide variant.
Coding change: c.1755C>T on transcript NM_015274.3 (MANE Select); coding-DNA position 1755, C replaced by T.
Protein change: p.Asn585=; no amino-acid change (asparagine 585 retained).
Molecular consequence: synonymous variant.
Genome position (GRCh38, 1-based): chr4:6,605,270, C>T. VCF-style: chr4-6605270-C-T. GRCh37 (hg19) VCF-style: chr4-6606997-C-T.
Other names: c.1602C>T, p.Asn534= (NM_001292038.2).
Identifiers: ClinVar variation 2654626 (VCV002654626.25), dbSNP rs149325410, ClinGen allele CA2841039.

ClinVar aggregate classification (germline): Benign. Review status: criteria provided, multiple submitters, no conflicts (2 of 4 stars). 2 submissions from 2 submitters: Benign (2). Last evaluated 2026-08-01.

Allele frequency attached by ClinVar (database versions not stated): ESP Exome Variant Server 0.00146; 1000 Genomes Project 30x 0.00234; 1000 Genomes Project 0.00260; gnomAD 0.00263; TOPMed 0.00316.
gnomAD v4.1: 4,706 of 1,614,166 alleles (0.29%); highest among the groups gnomAD compares: Middle Eastern, 2.1%; 26 homozygotes.

Submissions (2):

CeGaT Center for Human Genetics Tuebingen
Classification: Benign. Last evaluated: 2026-08-01. Review status: criteria provided, single submitter. Criteria: CeGaT Center For Human Genetics Tuebingen Variant Classification Criteria Version 2. Collection method: clinical testing. Allele origin: germline. Affected: yes. Observed: 3 variant alleles.
Comment: MAN2B2: BP4, BP7, BS1, BS2

Women's Health and Genetics/Laboratory Corporation of America, LabCorp
Classification: Benign. Last evaluated: 2026-01-23. Review status: criteria provided, single submitter. Criteria: LabCorp Variant Classification Summary - May 2015. Collection method: clinical testing. Allele origin: germline.